The following is an entry in ClinVar:

ClinVar aggregate classification (germline): Conflicting classifications of pathogenicity. Review status: criteria provided, conflicting classifications (1 of 4 stars). 4 submissions from 4 submitters: Likely pathogenic (1); Uncertain significance (3). Last evaluated 2026-03-24.

Conditions:
Neuropathy, congenital hypomyelinating, 3. Identifiers: MedGen C4748608, MONDO:0020766, OMIM 618186.
CNTNAP1-related disorder. Also called: CNTNAP1-related disease; CNTNAP1-related condition.
Fetal anomalies with a likely genetic cause.

Allele frequency attached by ClinVar (database versions not stated): TOPMed 0.00001; ExAC 0.00002; ESP Exome Variant Server 0.00008; gnomAD 0.00001; gnomAD exomes 0.00001.
gnomAD v4.1: 18 of 1,613,998 alleles (0.0011%); highest among the groups gnomAD compares: Non-Finnish European, 0.0015%; no homozygotes.

Submissions (4):

Genetics Laboratory, Great Ormond Street Hospital NHS Foundation Trust, North Thames Genomic Laboratory Hub
Classification: Uncertain significance for Fetal anomalies with a likely genetic cause. Last evaluated: 2026-03-24. Review status: criteria provided, single submitter. Criteria: ACGS Best Practice Guidelines for Variant Classification in Rare Disease 2024 v1.2. Collection method: clinical testing. Allele origin: germline. Affected: yes.
Comment: PM2_moderate, PP3_supporting, PM3_supporting

Labcorp Genetics (formerly Invitae), Labcorp
Classification: Uncertain significance. Last evaluated: 2025-08-11. Review status: criteria provided, single submitter. Criteria: Invitae Variant Classification Sherloc (09022015). Collection method: clinical testing. Allele origin: germline.
Comment: This sequence change replaces phenylalanine, which is neutral and non-polar, with leucine, which is neutral and non-polar, at codon 503 of the CNTNAP1 protein (p.Phe503Leu). This variant is present in population databases (rs373250430, gnomAD 0.004%). This missense change has been observed in individual(s) with CNTNAP1-related conditions (PMID: 35182943). It has also been observed to segregate with disease in related individuals. ClinVar contains an entry for this variant (Variation ID: 1929512). An algorithm developed to predict the effect of missense changes on protein structure and function (PolyPhen-2) suggests that this variant is likely to be tolerated. In summary, the available evidence is currently insufficient to determine the role of this variant in disease. Therefore, it has been classified as a Variant of Uncertain Significance.

3billion
Classification: Uncertain significance for CNTNAP1-related disorder. Last evaluated: 2024-07-18. Review status: criteria provided, single submitter. Criteria: ACMG Guidelines, 2015. Collection method: clinical testing. Allele origin: germline. Affected: yes.
Comment: The variant is observed at an extremely low frequency in the gnomAD v4.0.0 dataset (total allele frequency: 0.001%). Predicted Consequence/Location: Missense variant In silico tool predictions suggest damaging effect of the variant on gene or gene product [REVEL: 0.83 (>=0.6, sensitivity 0.68 and specificity 0.92)]. The same nucleotide change resulting in the same amino acid change has been previously reported to be associated with CNTNAP1 related disorder (PMID: 32334381). However, the evidence of pathogenicity is insufficient at this time. Therefore, this variant is classified as VUS according to the recommendation of ACMG/AMP guideline.

Institute of Human Genetics Munich, TUM University Hospital
Classification: Likely pathogenic for Neuropathy, congenital hypomyelinating, 3. Last evaluated: 2024-04-15. Review status: criteria provided, single submitter. Criteria: Classification criteria August 2017. Collection method: clinical testing. Allele origin: paternal. Inheritance: Autosomal recessive inheritance. Affected: yes. Observed: 2 variant alleles.

Literature cited by the submitters: PubMed 35182943 (cited by Labcorp Genetics (formerly Invitae), Labcorp); PubMed 32334381 (cited by 3billion).

NM_003632.3(CNTNAP1):c.1507T>C (p.Phe503Leu)

Gene: CNTNAP1 (contactin associated protein 1; plus strand). Cytogenetic location: 17q21.2.
Variant type: single nucleotide variant.
Coding change: c.1507T>C on transcript NM_003632.3 (MANE Select); coding-DNA position 1507, T replaced by C.
Protein change: p.Phe503Leu; replaces phenylalanine 503 with leucine.
Molecular consequence: missense variant.
Genome position (GRCh38, 1-based): chr17:42,688,926, T>C. VCF-style: chr17-42688926-T-C. GRCh37 (hg19) VCF-style: chr17-40840944-T-C.
Other names: short protein forms F503L.
Identifiers: ClinVar variation 1929512 (VCV001929512.12), dbSNP rs373250430, ClinGen allele CA8581811.
Genomic context (GRCh38, chr17:42,688,926, plus strand): 5'-GTTGCTCCAGGTTGTCCCAAGCCAGCCAGTCGATGGGACTGCCACTCCAACCAGACGGCA[T>C]TCCATGGCTGCATGGAGCTGCTCAAGGTGGATGGTCAACTGGTCAACCTGACTCTGGTGG-3'
Protein context (NP_003623.1, residues 493-513): RWDCHSNQTA[Phe503Leu]HGCMELLKVD